The following is an entry in ClinVar:

ClinVar aggregate classification (germline): Uncertain significance (1 of 4 stars; one submission).

Conditions:
Fanconi anemia complementation group O. Also called: RAD51C-Related Fanconi Anemia. Identifiers: Orphanet 84, MedGen C3150653, MONDO:0013248, OMIM 613390.

Submission:

Labcorp Genetics (formerly Invitae), Labcorp
Classification: Uncertain significance for Fanconi anemia complementation group O. Last evaluated: 2024-09-25. Review status: criteria provided, single submitter. Criteria: Invitae Variant Classification Sherloc (09022015). Collection method: clinical testing. Allele origin: germline.
Comment: This sequence change replaces glutamine, which is neutral and polar, with arginine, which is basic and polar, at codon 267 of the RAD51C protein (p.Gln267Arg). This variant is not present in population databases (gnomAD no frequency). This variant has not been reported in the literature in individuals affected with RAD51C-related conditions. Invitae Evidence Modeling of protein sequence and biophysical properties (such as structural, functional, and spatial information, amino acid conservation, physicochemical variation, residue mobility, and thermodynamic stability) has been performed for this missense variant. However, the output from this modeling did not meet the statistical confidence thresholds required to predict the impact of this variant on RAD51C protein function. In summary, the available evidence is currently insufficient to determine the role of this variant in disease. Therefore, it has been classified as a Variant of Uncertain Significance.

NM_058216.3(RAD51C):c.800A>G (p.Gln267Arg)

Gene: RAD51C (RAD51 paralog C; plus strand). Cytogenetic location: 17q22.
Variant type: single nucleotide variant.
Coding change: c.800A>G on transcript NM_058216.3 (MANE Select); coding-DNA position 800, A replaced by G.
Protein change: p.Gln267Arg; replaces glutamine 267 with arginine.
Molecular consequence: missense variant. On other transcripts: non-coding transcript variant (1).
Genome position (GRCh38, 1-based): chr17:58,709,953, A>G. VCF-style: chr17-58709953-A-G. GRCh37 (hg19) VCF-style: chr17-56787314-A-G.
Other names: short protein forms Q267R.
Identifiers: ClinVar variation 3713441 (VCV003713441.2).